The following is an entry in ClinVar:

ClinVar aggregate classification (germline): Pathogenic (1 of 4 stars; one submission).

Conditions:
Peutz-Jeghers syndrome (PJS). Also called: POLYPOSIS, HAMARTOMATOUS INTESTINAL; POLYPS-AND-SPOTS SYNDROME; Peutz-Jeghers polyposis; Periorificial lentiginosis syndrome. Identifiers: Orphanet 2869, MedGen C0031269, MeSH D010580, MONDO:0008280, OMIM 175200.

Submission:

Labcorp Genetics (formerly Invitae), Labcorp
Classification: Pathogenic for Peutz-Jeghers syndrome. Last evaluated: 2021-12-11. Review status: criteria provided, single submitter. Criteria: Invitae Variant Classification Sherloc (09022015). Collection method: clinical testing. Allele origin: germline.
Comment: For these reasons, this variant has been classified as Pathogenic. ClinVar contains an entry for this variant (Variation ID: 527811). This premature translational stop signal has been observed in individual(s) with clinical features of Peutz-Jeghers syndrome (PMID: 16733653). This variant is not present in population databases (gnomAD no frequency). This sequence change creates a premature translational stop signal (p.Ile274Asnfs*11) in the STK11 gene. It is expected to result in an absent or disrupted protein product. Loss-of-function variants in STK11 are known to be pathogenic (PMID: 15188174, 16287113).

Literature cited by the submitters: PubMed 16733653; PubMed 15188174; PubMed 16287113.

NC_000019.10:g.1221299delinsAC

Gene: STK11 (serine/threonine kinase 11; plus strand). Cytogenetic location: 19p13.3.
Variant type: Indel.
Genome position: GRCh38 VCF-style: chr19-1221299-T-AC. GRCh37 (hg19) VCF-style: chr19-1221298-T-AC.
Other names: c.821delinsAC, p.Ile274fs (LRG_319t1).
Identifiers: ClinVar variation 527811 (VCV000527811.5), dbSNP rs1555738683, ClinGen allele CA658799090.